The following is an entry in ClinVar:

NM_003036.4(SKI):c.1723dup (p.Glu575fs)

Gene: SKI (SKI proto-oncogene; plus strand). Cytogenetic location: 1p36.32.
Variant type: Duplication.
Coding change: c.1723dup on transcript NM_003036.4 (MANE Select); coding-DNA position 1723, one base duplicated (G; older notation c.1723dupG).
Protein change: p.Glu575fs; shifts the reading frame from glutamic acid 575.
Molecular consequence: frameshift variant.
Genome position (GRCh38, 1-based): chr1:2,304,541, G duplicated; the last of 2 consecutive G bases (chr1:2,304,540-2,304,541); duplicating either gives the same sequence. VCF-style (leftmost placement, unchanged base first): chr1-2304539-A-AG. GRCh37 (hg19) VCF-style: chr1-2235978-A-AG.
Other names: short protein forms E575fs.
Identifiers: ClinVar variation 3764369 (VCV003764369.1).

ClinVar aggregate classification (germline): Uncertain significance (1 of 4 stars; one submission).

Submission:

GeneDx
Classification: Uncertain significance. Last evaluated: 2024-08-20. Review status: criteria provided, single submitter. Criteria: GeneDx Variant Classification Process June 2021. Collection method: clinical testing. Allele origin: germline. Affected: yes.
Comment: Not observed at significant frequency in large population cohorts (gnomAD); Frameshift variant predicted to result in protein truncation or nonsense mediated decay in a gene or region of a gene for which loss of function is not a well-established mechanism of disease; This variant is associated with the following publications: (PMID: 35982159, 33057194)